The following is an entry in ClinVar:

ClinVar aggregate classification (germline): Benign/Likely benign. Review status: criteria provided, multiple submitters, no conflicts (2 of 4 stars). 3 submissions from 3 submitters: Benign (1); Likely benign (1). 1 of the submissions does not count toward it. Last evaluated 2025-07-30.

Conditions:
TRIP13-related disorder. Also called: TRIP13-related condition.

Allele frequency attached by ClinVar (database versions not stated): TOPMed 0.00009; 1000 Genomes Project 30x 0.00016; 1000 Genomes Project 0.00020; ESP Exome Variant Server 0.00023; gnomAD 0.00030; gnomAD exomes 0.00031; ExAC 0.00041.
gnomAD v4.1: 501 of 1,614,192 alleles (0.031%); highest among the groups gnomAD compares: South Asian, 0.038%; 2 homozygotes.

Submissions (3):

Labcorp Genetics (formerly Invitae), Labcorp
Classification: Benign. Last evaluated: 2025-07-30. Review status: criteria provided, single submitter. Criteria: Invitae Variant Classification Sherloc (09022015). Collection method: clinical testing. Allele origin: germline.

Blueprint Genetics
Classification: Likely benign. Last evaluated: 2024-10-25. Review status: criteria provided, single submitter. Criteria: ACMG Guidelines, 2015. Collection method: clinical testing. Allele origin: germline.

PreventionGenetics, part of Exact Sciences
Classification: Likely benign for TRIP13-related condition. Last evaluated: 2022-11-03. Review status: no assertion criteria provided. Collection method: clinical testing. Allele origin: germline. Not counted in ClinVar's aggregate classification.
Comment: This variant is classified as likely benign based on ACMG/AMP sequence variant interpretation guidelines (Richards et al. 2015 PMID: 25741868, with internal and published modifications).

NM_004237.4(TRIP13):c.732C>T (p.Asp244=)

Gene: TRIP13 (thyroid hormone receptor interactor 13; plus strand). Cytogenetic location: 5p15.33.
Variant type: single nucleotide variant.
Coding change: c.732C>T on transcript NM_004237.4 (MANE Select); coding-DNA position 732, C replaced by T.
Protein change: p.Asp244=; no amino-acid change (aspartic acid 244 retained).
Molecular consequence: synonymous variant.
Genome position (GRCh38, 1-based): chr5:908,047, C>T. VCF-style: chr5-908047-C-T. GRCh37 (hg19) VCF-style: chr5-908162-C-T.
Other names: c.732C>T (NM_004237.3); c.732C>T, p.Asp244= (NM_001166260.2).
Identifiers: ClinVar variation 2722543 (VCV002722543.6), dbSNP rs183763272, ClinGen allele CA3179964.